The following is an entry in ClinVar:

ClinVar aggregate classification (germline): Pathogenic (1 of 4 stars; one submission).

Conditions:
Combined immunodeficiency due to ORAI1 deficiency. Also called: IMMUNODEFICIENCY 9. Identifiers: Orphanet 169090, Orphanet 317428, MedGen C2748568, MONDO:0013007, OMIM 612782.

Submission:

Dubai Health Genomic Medicine Center, Dubai Health
Classification: Pathogenic for Immunodeficiency 9. Last evaluated: 2024-10-04. Review status: criteria provided, single submitter. Criteria: ACMG Guidelines, 2015. Collection method: research. Allele origin: germline. Affected: yes.
Comment: PVS1,PS3,PP1,PM2

NM_032790.1(ORAI1):c.493dup

Gene: ORAI1 (ORAI calcium release-activated calcium modulator 1; plus strand). Cytogenetic location: 12q24.31.
Variant type: Duplication.
Coding change: c.493dup on transcript NM_032790.1; coding-DNA position 493, one base duplicated (G; older notation c.493dupG).
Molecular consequence: non-coding transcript variant (on NR_186857.1).
Genome position (GRCh38, 1-based): chr12:121,641,420, G duplicated; the last of 2 consecutive G bases (chr12:121,641,419-121,641,420); duplicating either gives the same sequence. VCF-style (leftmost placement, unchanged base first): chr12-121641418-C-CG. GRCh37 (hg19) VCF-style: chr12-122079324-C-CG.
Identifiers: ClinVar variation 3383981 (VCV003383981.1).